The following is an entry in ClinVar:

NM_006421.5(ARFGEF1):c.4478A>G (p.Asn1493Ser)

Gene: ARFGEF1 (ARF guanine nucleotide exchange factor 1; minus strand). Cytogenetic location: 8q13.2.
Variant type: single nucleotide variant.
Coding change: c.4478A>G on transcript NM_006421.5 (MANE Select); coding-DNA position 4478, A replaced by G.
Protein change: p.Asn1493Ser; replaces asparagine 1493 with serine.
Molecular consequence: missense variant. On other transcripts: non-coding transcript variant (1).
Genome position (GRCh38, 1-based): chr8:67,217,917, T>C on the plus strand (A>G on the coding strand, the complement: ARFGEF1 is on the minus strand). VCF-style: chr8-67217917-T-C. GRCh37 (hg19) VCF-style: chr8-68130152-T-C.
Other names: c.4478A>G, p.Asn1493Ser (NM_001413184.1, NM_001413185.1, NM_001413186.1 and 5 more transcripts); c.3878A>G, p.Asn1293Ser (NM_001413188.1, NM_001413193.1, NM_001413197.1); c.4472A>G, p.Asn1491Ser (NM_001413190.1); c.3053A>G, p.Asn1018Ser (NM_001413196.1); short protein forms N1018S, N1293S, N1491S, N1493S.
Identifiers: ClinVar variation 3906555 (VCV003906555.1).
Genomic context (GRCh38, chr8:67,217,917, plus strand): 5'-TCACCATTCAGAATAACAACATTCTCTAAACAGTTTGTACCAGATCGCGCTAACTGCTCA[T>C]TGTCTAGGAAAGAAAAGAGCAATTCATTTATATATTACCAGGGTCACATTTAACACTTTG-3'
Protein context (NP_006412.2, residues 1483-1503): AQLYWCVQQD[Asn1493Ser]EQLARSGTNC

ClinVar aggregate classification (germline): Uncertain significance (1 of 4 stars; one submission).

Submission:

GeneDx
Classification: Uncertain significance. Last evaluated: 2024-12-14. Review status: criteria provided, single submitter. Criteria: GeneDx Variant Classification Process June 2021. Collection method: clinical testing. Allele origin: germline. Affected: yes.
Comment: Not observed at significant frequency in large population cohorts (gnomAD); In silico analysis supports that this missense variant has a deleterious effect on protein structure/function and a deleterious effect on splicing; Has not been previously published as pathogenic or benign to our knowledge